The following is an entry in ClinVar:

ClinVar aggregate classification (germline): Uncertain significance (1 of 4 stars; one submission).

Conditions:
Combined immunodeficiency due to LRBA deficiency. Also called: Common variable immunodeficiency 8, with autoimmunity. Identifiers: Orphanet 445018, MedGen C3553512, MONDO:0013863, OMIM 614700.

gnomAD v4.1: 1 of 1,610,534 alleles (0.000062%); highest among the groups gnomAD compares: African/African-American, 0.0013%; no homozygotes.

Submission:

Labcorp Genetics (formerly Invitae), Labcorp
Classification: Uncertain significance for Combined immunodeficiency due to LRBA deficiency. Last evaluated: 2018-12-04. Review status: criteria provided, single submitter. Criteria: Invitae Variant Classification Sherloc (09022015). Collection method: clinical testing. Allele origin: germline.
Comment: In summary, the available evidence is currently insufficient to determine the role of this variant in disease. Therefore, it has been classified as a Variant of Uncertain Significance. Algorithms developed to predict the effect of missense changes on protein structure and function are either unavailable or do not agree on the potential impact of this missense change (SIFT: "Deleterious"; PolyPhen-2: "Probably Damaging"; Align-GVGD: "Class C0"). This variant has not been reported in the literature in individuals with LRBA-related conditions. This variant is not present in population databases (ExAC no frequency). This sequence change replaces arginine with proline at codon 1812 of the LRBA protein (p.Arg1812Pro). The arginine residue is moderately conserved and there is a moderate physicochemical difference between arginine and proline.

NM_001364905.1(LRBA):c.5435G>C (p.Arg1812Pro)

Gene: LRBA (LPS responsive beige-like anchor protein; minus strand). Cytogenetic location: 4q31.3.
Variant type: single nucleotide variant.
Coding change: c.5435G>C on transcript NM_001364905.1 (MANE Select); coding-DNA position 5435, G replaced by C.
Protein change: p.Arg1812Pro; replaces arginine 1812 with proline.
Molecular consequence: missense variant.
Genome position (GRCh38, 1-based): chr4:150,806,354, C>G on the plus strand (G>C on the coding strand, the complement: LRBA is on the minus strand). VCF-style: chr4-150806354-C-G. GRCh37 (hg19) VCF-style: chr4-151727506-C-G.
Other names: c.5435G>C, p.Arg1812Pro (NM_001199282.3, NM_001367550.1, NM_006726.5); short protein forms R1812P.
Identifiers: ClinVar variation 657508 (VCV000657508.6), dbSNP rs770711457, ClinGen allele CA358609734.